The following is an entry in ClinVar:

ClinVar aggregate classification (germline): Conflicting classifications of pathogenicity. Review status: criteria provided, conflicting classifications (1 of 4 stars). 2 submissions from 2 submitters: Pathogenic (1); Uncertain significance (1). Last evaluated 2024-10-16.

Conditions:
Combined oxidative phosphorylation defect type 17. Also called: Combined oxidative phosphorylation deficiency 17. Identifiers: Orphanet 369913, MedGen C3809526, MONDO:0014190, OMIM 615440.

Allele frequency attached by ClinVar (database versions not stated): gnomAD 0.00001.
gnomAD v4.1: 10 of 1,614,018 alleles (0.00062%); highest among the groups gnomAD compares: South Asian, 0.0033%; no homozygotes.

Submissions (2):

Labcorp Genetics (formerly Invitae), Labcorp
Classification: Pathogenic for Combined oxidative phosphorylation defect type 17. Last evaluated: 2024-10-16. Review status: criteria provided, single submitter. Criteria: Invitae Variant Classification Sherloc (09022015). Collection method: clinical testing. Allele origin: germline.
Comment: This sequence change creates a premature translational stop signal (p.Arg630*) in the ELAC2 gene. It is expected to result in an absent or disrupted protein product. Loss-of-function variants in ELAC2 are known to be pathogenic (PMID: 27769300, 31045291). This variant is present in population databases (rs781680309, gnomAD 0.006%). This variant has not been reported in the literature in individuals affected with ELAC2-related conditions. ClinVar contains an entry for this variant (Variation ID: 1070631). For these reasons, this variant has been classified as Pathogenic.

Blueprint Genetics
Classification: Uncertain significance. Last evaluated: 2024-09-13. Review status: criteria provided, single submitter. Criteria: ACMG Guidelines, 2015. Collection method: clinical testing. Allele origin: germline.

Literature cited by the submitters: PubMed 27769300 (cited by Labcorp Genetics (formerly Invitae), Labcorp); PubMed 31045291 (cited by Labcorp Genetics (formerly Invitae), Labcorp).

NM_018127.7(ELAC2):c.1888C>T (p.Arg630Ter)

Gene: ELAC2 (elaC ribonuclease Z 2; minus strand). Cytogenetic location: 17p12.
Variant type: single nucleotide variant.
Coding change: c.1888C>T on transcript NM_018127.7 (MANE Select); coding-DNA position 1888, C replaced by T.
Protein change: p.Arg630Ter; replaces arginine 630 with a stop codon.
Molecular consequence: nonsense.
Genome position (GRCh38, 1-based): chr17:12,994,983, G>A on the plus strand (C>T on the coding strand, the complement: ELAC2 is on the minus strand). VCF-style: chr17-12994983-G-A. GRCh37 (hg19) VCF-style: chr17-12898300-G-A.
Other names: c.1768C>T, p.Arg590Ter (NM_001165962.2); c.1885C>T, p.Arg629Ter (NM_173717.2); short protein forms R590*, R629*, R630*.
Identifiers: ClinVar variation 1070631 (VCV001070631.6), dbSNP rs781680309, ClinGen allele CA8401029.